The following is an entry in ClinVar:

ClinVar aggregate classification (germline): Uncertain significance (1 of 4 stars; one submission).

Submission:

Labcorp Genetics (formerly Invitae), Labcorp
Classification: Uncertain significance. Last evaluated: 2022-05-04. Review status: criteria provided, single submitter. Criteria: Invitae Variant Classification Sherloc (09022015). Collection method: clinical testing. Allele origin: germline.
Comment: This sequence change replaces serine, which is neutral and polar, with threonine, which is neutral and polar, at codon 20 of the MTOR protein (p.Ser20Thr). This variant is not present in population databases (gnomAD no frequency). In summary, the available evidence is currently insufficient to determine the role of this variant in disease. Therefore, it has been classified as a Variant of Uncertain Significance. Advanced modeling of protein sequence and biophysical properties (such as structural, functional, and spatial information, amino acid conservation, physicochemical variation, residue mobility, and thermodynamic stability) performed at Invitae indicates that this missense variant is not expected to disrupt MTOR protein function. This variant has not been reported in the literature in individuals affected with MTOR-related conditions.

NM_004958.4(MTOR):c.59G>C (p.Ser20Thr)

Gene: MTOR (mechanistic target of rapamycin kinase; minus strand). Cytogenetic location: 1p36.22.
Variant type: single nucleotide variant.
Coding change: c.59G>C on transcript NM_004958.4 (MANE Select); coding-DNA position 59, G replaced by C.
Protein change: p.Ser20Thr; replaces serine 20 with threonine.
Molecular consequence: missense variant. On other transcripts: 5 prime UTR variant (1).
Genome position (GRCh38, 1-based): chr1:11,259,351, C>G on the plus strand (G>C on the coding strand, the complement: MTOR is on the minus strand). VCF-style: chr1-11259351-C-G. GRCh37 (hg19) VCF-style: chr1-11319408-C-G.
Other names: c.59G>C, p.Ser20Thr (NM_001386500.1); c.-1081G>C (NM_001386501.1); short protein forms S20T.
Identifiers: ClinVar variation 2127811 (VCV002127811.4), dbSNP rs1650817273, ClinGen allele CA338405391.